The following is an entry in ClinVar:

NM_001360.3(DHCR7):c.1349_1350delinsTG (p.Arg450Leu)

Gene: DHCR7 (7-dehydrocholesterol reductase; minus strand). Cytogenetic location: 11q13.4.
Variant type: Indel.
Coding change: c.1349_1350delinsTG on transcript NM_001360.3 (MANE Select); coding-DNA positions 1349 to 1350, GC replaced by TG.
Protein change: p.Arg450Leu; replaces arginine 450 with leucine.
Molecular consequence: missense variant.
Genome position (GRCh38, 1-based): chr11:71,435,453-71,435,454, GC replaced by CA on the plus strand (GC replaced by TG on the coding strand, the reverse complement: DHCR7 is on the minus strand). VCF-style: chr11-71435453-GC-CA. GRCh37 (hg19) VCF-style: chr11-71146499-GC-CA.
Other names: c.1349_1350delGCinsTG (NM_001360.2); c.1349_1350delinsTG, p.Arg450Leu (NM_001163817.2); short protein forms R450L.
Identifiers: ClinVar variation 652894 (VCV000652894.50), dbSNP rs1591107040, ClinGen allele CA915948241.

ClinVar aggregate classification (germline): Pathogenic/Likely pathogenic. Review status: criteria provided, multiple submitters, no conflicts (2 of 4 stars). 8 submissions from 8 submitters: Pathogenic (7); Likely pathogenic (1). Last evaluated 2026-03-27.

Conditions:
DHCR7-related disorder. Also called: DHCR7-related condition.
Inborn genetic diseases. Identifiers: MedGen C0950123, MeSH D030342.
Smith-Lemli-Opitz syndrome (SLOS). Also called: LETHAL ACRODYSGENITAL SYNDROME; POLYDACTYLY, SEX REVERSAL, RENAL HYPOPLASIA, AND UNILOBAR LUNG; RSH SYNDROME; RUTLEDGE LETHAL MULTIPLE CONGENITAL ANOMALY SYNDROME; 7-Dehydrocholesterol reductase deficiency. Identifiers: Orphanet 818, MedGen C0175694, MONDO:0010035, OMIM 270400.

Submissions (8):

PreventionGenetics, part of Exact Sciences
Classification: Pathogenic for DHCR7-related condition. Last evaluated: 2026-03-27. Review status: criteria provided, single submitter. Criteria: ACMG Guidelines, 2015. Collection method: clinical testing. Allele origin: germline.
Comment: The DHCR7 c.1349_1350delinsTG variant is predicted to result in an in-frame deletion and insertion. The p.Arg450Leu variant has been reported in the compound heterozygous state in several individuals with Smith-Lemli-Opitz Syndrome (Neklason et al. 1999. PubMed ID: 10405455; Patient 2, Anstey et al. 2005. PubMed ID: 16181459; Patient 33, 41 and 40, Wassif et al. 2005. PubMed ID: 15896653; Roullet et al. 2012. PubMed ID: 22391996; Chang et al. 2014. PubMed ID: 25405082). To our knowledge, this variant has not been reported in a large population database (gnomAD), indicating this variant is rare. This variant is interpreted as pathogenic.

Women's Health and Genetics/Laboratory Corporation of America, LabCorp
Classification: Pathogenic for Smith-Lemli-Opitz syndrome. Last evaluated: 2025-12-09. Review status: criteria provided, single submitter. Criteria: LabCorp Variant Classification Summary - May 2015. Collection method: clinical testing. Allele origin: germline.
Comment: Variant summary: DHCR7 c.1349_1350delinsTG (p.Arg450Leu) is part of a multinucleotide combination of 11-71146499-G-C (c.1350C>G, p.Arg450=); and 11-71146500-C-A (c.1349G>T, p.Arg450Leu) that results in a non-conservative amino acid change in the encoded protein sequence. Algorithms developed to predict the effect of missense changes on protein structure and function are either unavailable or do not agree on the potential impact of this missense change. The variant allele was found at a frequency of 8e-06 in 248660 control chromosomes. p.Arg450Leu has been observed in multiple individuals affected with Smith-Lemli-Opitz Syndrome (e.g. Anstey_2005, Neklason_1999, Wassif_2005, Roullet_2013). These data indicate that the variant is very likely to be associated with disease. The following publications have been ascertained in the context of this evaluation (PMID: 16181459, 10405455, 22391996, 15896653). ClinVar contains an entry for this variant (Variation ID: 652894). Based on the evidence outlined above, the variant was classified as pathogenic.

Natera, Inc.
Classification: Pathogenic for Smith-Lemli-Opitz syndrome. Last evaluated: 2025-09-26. Review status: criteria provided, single submitter. Criteria: Natera Variant Classification Schema (03/2026). Collection method: clinical testing. Allele origin: germline.
Comment: The c.1349_1350delGCinsTG variant in DHCR7 is a deletion-insertion (delins) variant predicted to replace one or more nucleotides with a different sequence. This variant is rare in the general population with a frequency below the threshold expected for the associated phenotype(s). This variant has been observed in one or more individuals affected with the associated recessive disease, as either homozygous or compound heterozygous with a second variant (PMID: 16181459, 15896653). Additionally, this variant has been observed to segregate in affected family members (PMID: 15896653). Computational prediction algorithms indicate this variant is likely to affect gene or protein function. Given the available evidence, this variant is classified as Pathogenic.

GeneDx
Classification: Pathogenic. Last evaluated: 2024-10-22. Review status: criteria provided, single submitter. Criteria: GeneDx Variant Classification Process June 2021. Collection method: clinical testing. Allele origin: germline. Affected: yes.
Comment: Not observed at significant frequency in large population cohorts (gnomAD); In silico analysis supports a deleterious effect on protein structure/function; This variant is associated with the following publications: (PMID: 15896653, 10677299, 10405455, 15805162, 22391996, 21990131, 28349652, 16181459)

Labcorp Genetics (formerly Invitae), Labcorp
Classification: Pathogenic for Smith-Lemli-Opitz syndrome. Last evaluated: 2024-09-10. Review status: criteria provided, single submitter. Criteria: Invitae Variant Classification Sherloc (09022015). Collection method: clinical testing. Allele origin: germline.
Comment: This sequence change replaces arginine, which is basic and polar, with leucine, which is neutral and non-polar, at codon 450 of the DHCR7 protein (p.Arg450Leu). Information on the frequency of this variant in the gnomAD database is not available, as this variant may be reported differently in the database. This missense change has been observed in individual(s) with Smith-Lemli-Opitz syndrome (PMID: 10405455, 15896653, 16181459, 22391996, 25405082). ClinVar contains an entry for this variant (Variation ID: 652894). An algorithm developed to predict the effect of missense changes on protein structure and function (PolyPhen-2) suggests that this variant is likely to be disruptive. Experimental studies have shown that this missense change affects DHCR7 function (PMID: 9714006, 10405455, 10677299). For these reasons, this variant has been classified as Pathogenic.

Greenwood Genetic Center Diagnostic Laboratories, Greenwood Genetic Center
Classification: Likely pathogenic for Smith-Lemli-Opitz syndrome. Last evaluated: 2024-05-29. Review status: criteria provided, single submitter. Criteria: ACMG Guidelines, 2015. Collection method: clinical testing. Allele origin: germline. Affected: yes.
Comment: PS1, PM2, PM3_Supporting

CeGaT Center for Human Genetics Tuebingen
Classification: Pathogenic. Last evaluated: 2023-11-01. Review status: criteria provided, single submitter. Criteria: CeGaT Center For Human Genetics Tuebingen Variant Classification Criteria Version 2. Collection method: clinical testing. Allele origin: germline. Affected: yes. Observed: 4 variant alleles.
Comment: DHCR7: PS1, PM2, PM3, PP4, PS3:Supporting

Ambry Genetics
Classification: Pathogenic for Inborn genetic diseases. Last evaluated: 2020-07-28. Review status: criteria provided, single submitter. Criteria: Ambry Variant Classification Scheme 2023. Collection method: clinical testing. Allele origin: germline.
Comment: The c.1349_1350delGCinsTG pathogenic mutation, located in coding exon 7 of the DHCR7 gene, results from an in-frame deletion of GC and insertion of TG at nucleotide positions 1349 to 1350. This results in the substitution of the arginine residue for a leucine residue at codon 450, an amino acid with dissimilar properties. This alteration has been detected in conjunction with other known pathogenic mutations in DHCR7 (c.964-1G>C, p.R242C, p.Q95*/p.Q98*) in several individuals with Smith-Lemli-Opitz Syndrome (Witsch-Baumgartner M et al. Am. J. Hum. Genet., 2000 Feb;66:402-12; Correa-Cerro LS et al. Mol. Genet. Metab., 2005 Feb;84:112-26; Wassif CA et al. Genet. Med., 2017 03;19:297-305; Chang S et al. Mol Genet Metab Rep, 2014;1:431-442; Anstey AV et al. Br. J. Dermatol., 2005 Oct;153:774-9; Bianconi SE et al. Am. J. Med. Genet. A, 2011 Nov;155A:2732-8; Eroglu Y et al. Am. J. Med. Genet. A, 2017 Aug;173:2097-2100). In addition, several functional studies showed that this alteration resulted in significantly reduced enzymatic activity when expressed in cell lines (Witsch-Baumgartner M et al. Am. J. Hum. Genet., 2000 Feb;66:402-12; Correa-Cerro LS et al. Mol. Genet. Metab., 2005 Feb;84:112-26; Wassif CA et al. Genet. Med., 2017 03;19:297-305). Based on the supporting evidence, this alteration is interpreted as a disease-causing mutation.

Literature cited by the submitters: PubMed 22391996 (cited by 3 submitters); PubMed 15896653 (cited by 4 submitters); PubMed 16181459 (cited by 4 submitters); PubMed 10405455 (cited by 3 submitters); PubMed 25405082 (cited by Labcorp Genetics (formerly Invitae), Labcorp and Ambry Genetics); PubMed 9714006 (cited by Labcorp Genetics (formerly Invitae), Labcorp); PubMed 10677299 (cited by Labcorp Genetics (formerly Invitae), Labcorp and Ambry Genetics); PubMed 11241839 (cited by Ambry Genetics); PubMed 15670717 (cited by Ambry Genetics); PubMed 15805162 (cited by Ambry Genetics); PubMed 21990131 (cited by Ambry Genetics); PubMed 23042628 (cited by Ambry Genetics); PubMed 27513191 (cited by Ambry Genetics); PubMed 28349652 (cited by Ambry Genetics).